The following is an entry in ClinVar:

ClinVar aggregate classification (germline): Benign. Review status: criteria provided, multiple submitters, no conflicts (2 of 4 stars). 8 submissions from 8 submitters: Benign (4). 4 of the submissions do not count toward it. Last evaluated 2026-02-04.

Conditions:
LAMA2-related muscular dystrophy (LAMA2-RD). Also called: Laminin alpha 2-related dystrophy. Identifiers: MedGen C5679788, MONDO:0100228.
Congenital muscular dystrophy due to partial LAMA2 deficiency. Identifiers: MedGen C1842898.

Allele frequency attached by ClinVar (database versions not stated): 1000 Genomes Project 0.00919; 1000 Genomes Project 30x 0.00968; TOPMed 0.02305; ExAC 0.02345; ESP Exome Variant Server 0.03068.
gnomAD v4.1: 50,866 of 1,613,500 alleles (3.2%); highest among the groups gnomAD compares: Non-Finnish European, 3.8%; 946 homozygotes.

Submissions (30):

Labcorp Genetics (formerly Invitae), Labcorp
Classification: Benign for LAMA2-related muscular dystrophy. Last evaluated: 2026-02-04. Review status: criteria provided, single submitter. Criteria: Invitae Variant Classification Sherloc (09022015). Collection method: clinical testing. Allele origin: germline.

Illumina Laboratory Services, Illumina
Classification: Benign for Congenital muscular dystrophy due to partial LAMA2 deficiency. Last evaluated: 2018-01-13. Review status: criteria provided, single submitter. Criteria: ICSL Variant Classification Criteria 13 December 2019. Collection method: clinical testing. Allele origin: germline.
Comment: This variant was observed in the ICSL laboratory as part of a predisposition screen in an ostensibly healthy population. It had not been previously curated by ICSL or reported in the Human Gene Mutation Database (HGMD: prior to June 1st, 2018), and was therefore a candidate for classification through an automated scoring system. Utilizing variant allele frequency, disease prevalence and penetrance estimates, and inheritance mode, an automated score was calculated to assess if this variant is too frequent to cause the disease. Based on the score and internal cut-off values, a variant classified as benign is not then subjected to further curation. The score for this variant resulted in a classification of benign for this disease.

GeneDx
Classification: Benign. Last evaluated: 2016-01-13. Review status: criteria provided, single submitter. Criteria: GeneDx Variant Classification (06012015). Collection method: clinical testing. Allele origin: germline. Affected: yes.
Comment: This variant is considered likely benign or benign based on one or more of the following criteria: it is a conservative change, it occurs at a poorly conserved position in the protein, it is predicted to be benign by multiple in silico algorithms, and/or has population frequency not consistent with disease.

PreventionGenetics, part of Exact Sciences
Classification: Benign. Review status: criteria provided, single submitter. Criteria: ACMG Guidelines, 2015. Collection method: clinical testing. Allele origin: germline.

Clinical Genetics, Academic Medical Center
Classification: Benign. Review status: no assertion criteria provided. Collection method: clinical testing. Allele origin: germline. Affected: yes. Study: VKGL Data-share Consensus. Not counted in ClinVar's aggregate classification.

Dr. Peter K. Rogan Lab, Western University
No classification provided (evidence only). Condition: Acute myeloid leukemia. Review status: no classification provided. Collection method: in vitro. Allele origin: not applicable. Functional consequence: retained intron. Not counted in ClinVar's aggregate classification.

Dr. Peter K. Rogan Lab, Western University
No classification provided (evidence only). Condition: Acute myeloid leukemia. Review status: no classification provided. Collection method: in vitro. Allele origin: not applicable. Functional consequence: retained intron. Not counted in ClinVar's aggregate classification.

Dr. Peter K. Rogan Lab, Western University
No classification provided (evidence only). Condition: Uterine corpus endometrial carcinoma. Review status: no classification provided. Collection method: in vitro. Allele origin: not applicable. Functional consequence: retained intron. Not counted in ClinVar's aggregate classification.

Dr. Peter K. Rogan Lab, Western University
No classification provided (evidence only). Condition: Sarcoma. Review status: no classification provided. Collection method: in vitro. Allele origin: not applicable. Functional consequence: retained intron. Not counted in ClinVar's aggregate classification.

Dr. Peter K. Rogan Lab, Western University
No classification provided (evidence only). Condition: Sarcoma. Review status: no classification provided. Collection method: in vitro. Allele origin: not applicable. Functional consequence: retained intron. Not counted in ClinVar's aggregate classification.

Dr. Peter K. Rogan Lab, Western University
No classification provided (evidence only). Condition: Sarcoma. Review status: no classification provided. Collection method: in vitro. Allele origin: not applicable. Functional consequence: retained intron. Not counted in ClinVar's aggregate classification.

Dr. Peter K. Rogan Lab, Western University
No classification provided (evidence only). Condition: Sarcoma. Review status: no classification provided. Collection method: in vitro. Allele origin: not applicable. Functional consequence: retained intron. Not counted in ClinVar's aggregate classification.

Dr. Peter K. Rogan Lab, Western University
No classification provided (evidence only). Condition: Sarcoma. Review status: no classification provided. Collection method: in vitro. Allele origin: not applicable. Functional consequence: retained intron. Not counted in ClinVar's aggregate classification.

Dr. Peter K. Rogan Lab, Western University
No classification provided (evidence only). Condition: Pancreatic adenocarcinoma. Review status: no classification provided. Collection method: in vitro. Allele origin: not applicable. Functional consequence: retained intron. Not counted in ClinVar's aggregate classification.

Dr. Peter K. Rogan Lab, Western University
No classification provided (evidence only). Condition: Thymoma. Review status: no classification provided. Collection method: in vitro. Allele origin: not applicable. Functional consequence: retained intron. Not counted in ClinVar's aggregate classification.

Dr. Peter K. Rogan Lab, Western University
No classification provided (evidence only). Condition: Cholangiocarcinoma. Review status: no classification provided. Collection method: in vitro. Allele origin: not applicable. Functional consequence: retained intron. Not counted in ClinVar's aggregate classification.

Dr. Peter K. Rogan Lab, Western University
No classification provided (evidence only). Condition: Gastric cancer. Review status: no classification provided. Collection method: in vitro. Allele origin: not applicable. Functional consequence: retained intron. Not counted in ClinVar's aggregate classification.

Dr. Peter K. Rogan Lab, Western University
No classification provided (evidence only). Condition: Gastric cancer. Review status: no classification provided. Collection method: in vitro. Allele origin: not applicable. Functional consequence: retained intron. Not counted in ClinVar's aggregate classification.

Dr. Peter K. Rogan Lab, Western University
No classification provided (evidence only). Condition: Uterine carcinosarcoma. Review status: no classification provided. Collection method: in vitro. Allele origin: not applicable. Functional consequence: retained intron. Not counted in ClinVar's aggregate classification.

Dr. Peter K. Rogan Lab, Western University
No classification provided (evidence only). Condition: Malignant tumor of esophagus. Review status: no classification provided. Collection method: in vitro. Allele origin: not applicable. Functional consequence: retained intron. Not counted in ClinVar's aggregate classification.

Dr. Peter K. Rogan Lab, Western University
No classification provided (evidence only). Condition: Malignant tumor of esophagus. Review status: no classification provided. Collection method: in vitro. Allele origin: not applicable. Functional consequence: retained intron. Not counted in ClinVar's aggregate classification.

Dr. Peter K. Rogan Lab, Western University
No classification provided (evidence only). Condition: Nonpapillary renal cell carcinoma. Review status: no classification provided. Collection method: in vitro. Allele origin: not applicable. Functional consequence: retained intron. Not counted in ClinVar's aggregate classification.

Dr. Peter K. Rogan Lab, Western University
No classification provided (evidence only). Condition: Nonpapillary renal cell carcinoma. Review status: no classification provided. Collection method: in vitro. Allele origin: not applicable. Functional consequence: retained intron. Not counted in ClinVar's aggregate classification.

Dr. Peter K. Rogan Lab, Western University
No classification provided (evidence only). Condition: Familial pancreatic carcinoma. Review status: no classification provided. Collection method: in vitro. Allele origin: not applicable. Functional consequence: retained intron. Not counted in ClinVar's aggregate classification.

Dr. Peter K. Rogan Lab, Western University
No classification provided (evidence only). Condition: Familial pancreatic carcinoma. Review status: no classification provided. Collection method: in vitro. Allele origin: not applicable. Functional consequence: retained intron. Not counted in ClinVar's aggregate classification.

Dr. Peter K. Rogan Lab, Western University
No classification provided (evidence only). Condition: Familial pancreatic carcinoma. Review status: no classification provided. Collection method: in vitro. Allele origin: not applicable. Functional consequence: retained intron. Not counted in ClinVar's aggregate classification.

Dr. Peter K. Rogan Lab, Western University
No classification provided (evidence only). Condition: Ovarian cancer. Review status: no classification provided. Collection method: in vitro. Allele origin: not applicable. Functional consequence: retained intron. Not counted in ClinVar's aggregate classification.

Genome Diagnostics Laboratory, University Medical Center Utrecht
Classification: Benign. Review status: no assertion criteria provided. Collection method: clinical testing. Allele origin: germline. Affected: yes. Study: VKGL Data-share Consensus. Not counted in ClinVar's aggregate classification.

Joint Genome Diagnostic Labs from Nijmegen and Maastricht, Radboudumc and MUMC+
Classification: Benign. Review status: no assertion criteria provided. Collection method: clinical testing. Allele origin: germline. Affected: yes. Study: VKGL Data-share Consensus. Not counted in ClinVar's aggregate classification.

Laboratory of Diagnostic Genome Analysis, Leiden University Medical Center (LUMC)
Classification: Likely benign. Review status: no assertion criteria provided. Collection method: clinical testing. Allele origin: germline. Affected: yes. Study: VKGL Data-share Consensus. Not counted in ClinVar's aggregate classification.

NM_000426.4(LAMA2):c.9212-15C>A

Gene: LAMA2 (laminin subunit alpha 2; plus strand). Cytogenetic location: 6q22.33.
Variant type: single nucleotide variant.
Coding change: c.9212-15C>A on transcript NM_000426.4 (MANE Select); 15 bases into the intron before coding-DNA position 9212, C replaced by A.
Molecular consequence: intron variant.
Genome position (GRCh38, 1-based): chr6:129,516,175, C>A. VCF-style: chr6-129516175-C-A. GRCh37 (hg19) VCF-style: chr6-129837320-C-A.
Other names: c.9200-15C>A (NM_001079823.2).
Identifiers: ClinVar variation 256095 (VCV000256095.20), dbSNP rs55776770, ClinGen allele CA3995072.